The following is an entry in ClinVar:

ClinVar aggregate classification (germline): Uncertain significance (1 of 4 stars; one submission).

Submission:

Labcorp Genetics (formerly Invitae), Labcorp
Classification: Uncertain significance. Last evaluated: 2018-03-18. Review status: criteria provided, single submitter. Criteria: Invitae Variant Classification Sherloc (09022015). Collection method: clinical testing. Allele origin: germline.
Comment: In summary, the available evidence is currently insufficient to determine the role of this variant in disease. Therefore, it has been classified as a Variant of Uncertain Significance. Algorithms developed to predict the effect of missense changes on protein structure and function (SIFT, PolyPhen-2, Align-GVGD) all suggest that this variant is likely to be tolerated, but these predictions have not been confirmed by published functional studies and their clinical significance is uncertain. This variant has not been reported in the literature in individuals with POLE-related disease. This variant is not present in population databases (ExAC no frequency). This sequence change replaces isoleucine with leucine at codon 2257 of the POLE protein (p.Ile2257Leu). The isoleucine residue is weakly conserved and there is a small physicochemical difference between isoleucine and leucine.

NM_006231.4(POLE):c.6769A>C (p.Ile2257Leu)

Gene: POLE (DNA polymerase epsilon, catalytic subunit; minus strand). Cytogenetic location: 12q24.33.
Variant type: single nucleotide variant.
Coding change: c.6769A>C on transcript NM_006231.4 (MANE Select); coding-DNA position 6769, A replaced by C.
Protein change: p.Ile2257Leu; replaces isoleucine 2257 with leucine.
Molecular consequence: missense variant.
Genome position (GRCh38, 1-based): chr12:132,624,789, T>G on the plus strand (A>C on the coding strand, the complement: POLE is on the minus strand). VCF-style: chr12-132624789-T-G. GRCh37 (hg19) VCF-style: chr12-133201375-T-G.
Other names: short protein forms I2257L.
Identifiers: ClinVar variation 567144 (VCV000567144.8), dbSNP rs1566306858, ClinGen allele CA387365859.